The following is an entry in ClinVar:

ClinVar aggregate classification (germline): Uncertain significance (1 of 4 stars; one submission).

Conditions:
Idiopathic Pulmonary Fibrosis. Also called: Idiopathic fibrosing alveolitis, chronic form; idiopathic fibrosing alveolitis. Identifiers: Orphanet 2032, MedGen C1800706, MeSH D054990, MONDO:0800504.
Dyskeratosis congenita, autosomal dominant 2. Identifiers: MedGen C3151443, MONDO:0013521, OMIM 613989.

Allele frequency attached by ClinVar (database versions not stated): gnomAD exomes below 0.00001.
gnomAD v4.1: 1 of 1,614,132 alleles (0.000062%); highest among the groups gnomAD compares: Non-Finnish European, 0.000085%; no homozygotes.

Submission:

Labcorp Genetics (formerly Invitae), Labcorp
Classification: Uncertain significance for Dyskeratosis congenita, autosomal dominant 2; Idiopathic Pulmonary Fibrosis. Last evaluated: 2023-04-12. Review status: criteria provided, single submitter. Criteria: Invitae Variant Classification Sherloc (09022015). Collection method: clinical testing. Allele origin: germline.
Comment: This sequence change replaces arginine, which is basic and polar, with tryptophan, which is neutral and slightly polar, at codon 558 of the TERT protein (p.Arg558Trp). This variant is not present in population databases (gnomAD no frequency). This variant has not been reported in the literature in individuals affected with TERT-related conditions. Advanced modeling of protein sequence and biophysical properties (such as structural, functional, and spatial information, amino acid conservation, physicochemical variation, residue mobility, and thermodynamic stability) performed at Invitae indicates that this missense variant is expected to disrupt TERT protein function. In summary, the available evidence is currently insufficient to determine the role of this variant in disease. Therefore, it has been classified as a Variant of Uncertain Significance.

NM_198253.3(TERT):c.1672A>T (p.Arg558Trp)

Gene: TERT (telomerase reverse transcriptase; minus strand). Cytogenetic location: 5p15.33.
Variant type: single nucleotide variant.
Coding change: c.1672A>T on transcript NM_198253.3 (MANE Select); coding-DNA position 1672, A replaced by T.
Protein change: p.Arg558Trp; replaces arginine 558 with tryptophan.
Molecular consequence: missense variant. On other transcripts: non-coding transcript variant (2).
Genome position (GRCh38, 1-based): chr5:1,282,526, T>A on the plus strand (A>T on the coding strand, the complement: TERT is on the minus strand). VCF-style: chr5-1282526-T-A. GRCh37 (hg19) VCF-style: chr5-1282641-T-A.
Other names: c.1672A>T, p.Arg558Trp (NM_001193376.3, NM_003219.1); short protein forms R558W.
Identifiers: ClinVar variation 2925912 (VCV002925912.3), dbSNP rs2478305470, ClinGen allele CA359083127.